The following is an entry in ClinVar:

NM_005334.3(HCFC1):c.5287G>A (p.Ala1763Thr)

Gene: HCFC1 (host cell factor C1; minus strand). Cytogenetic location: Xq28.
Variant type: single nucleotide variant.
Coding change: c.5287G>A on transcript NM_005334.3 (MANE Select); coding-DNA position 5287, G replaced by A.
Protein change: p.Ala1763Thr; replaces alanine 1763 with threonine.
Molecular consequence: missense variant.
Genome position (GRCh38, 1-based): chrX:153,951,681, C>T on the plus strand (G>A on the coding strand, the complement: HCFC1 is on the minus strand). VCF-style: chrX-153951681-C-T. GRCh37 (hg19) VCF-style: chrX-153217132-C-T.
Other names: c.5422G>A, p.Ala1808Thr (NM_001410705.1); short protein forms A1763T, A1808T.
Identifiers: ClinVar variation 2627249 (VCV002627249.4), dbSNP rs2521470597, ClinGen allele CA415105455.

ClinVar aggregate classification (germline): Uncertain significance. Review status: criteria provided, multiple submitters, no conflicts (2 of 4 stars). 2 submissions from 2 submitters: Uncertain significance (2). Last evaluated 2025-12-09.

Submissions (2):

Women's Health and Genetics/Laboratory Corporation of America, LabCorp
Classification: Uncertain significance. Last evaluated: 2025-12-09. Review status: criteria provided, single submitter. Criteria: LabCorp Variant Classification Summary - May 2015. Collection method: clinical testing. Allele origin: germline.
Comment: Variant summary: HCFC1 c.5287G>A (p.Ala1763Thr) results in a non-conservative amino acid change in the encoded protein sequence. Algorithms developed to predict the effect of missense changes on protein structure and function are either unavailable or do not agree on the potential impact of this missense change. The variant was absent in 175094 control chromosomes. The available data on variant occurrences in the general population are insufficient to allow any conclusion about variant significance. To our knowledge, no occurrence of c.5287G>A in individuals affected with HCFC1-related conditions and no experimental evidence demonstrating its impact on protein function have been reported. ClinVar contains an entry for this variant (Variation ID: 2627249). Based on the evidence outlined above, the variant was classified as uncertain significance.

GeneDx
Classification: Uncertain significance. Last evaluated: 2023-11-12. Review status: criteria provided, single submitter. Criteria: GeneDx Variant Classification Process June 2021. Collection method: clinical testing. Allele origin: germline. Affected: yes.
Comment: Not observed at significant frequency in large population cohorts (gnomAD); In silico analysis supports that this missense variant does not alter protein structure/function; Has not been previously published as pathogenic or benign to our knowledge